The following is an entry in ClinVar:

ClinVar aggregate classification (germline): Pathogenic (1 of 4 stars; one submission).

Submission:

Labcorp Genetics (formerly Invitae), Labcorp
Classification: Pathogenic. Last evaluated: 2024-04-30. Review status: criteria provided, single submitter. Criteria: Invitae Variant Classification Sherloc (09022015). Collection method: clinical testing. Allele origin: germline.
Comment: This sequence change replaces proline, which is neutral and non-polar, with histidine, which is basic and polar, at codon 1094 of the ABCA4 protein (p.Pro1094His). This variant is not present in population databases (gnomAD no frequency). This missense change has been observed in individual(s) with Stargardt disease (Invitae). ClinVar contains an entry for this variant (Variation ID: 1473032). Advanced modeling of protein sequence and biophysical properties (such as structural, functional, and spatial information, amino acid conservation, physicochemical variation, residue mobility, and thermodynamic stability) performed at Invitae indicates that this missense variant is expected to disrupt ABCA4 protein function with a positive predictive value of 95%. This variant disrupts the p.Pro1094 amino acid residue in ABCA4. Other variant(s) that disrupt this residue have been observed in individuals with ABCA4-related conditions (PMID: 23755871, 26780318), which suggests that this may be a clinically significant amino acid residue. For these reasons, this variant has been classified as Pathogenic.

Literature cited by the submitters: PubMed 23755871; PubMed 26780318.

NM_000350.3(ABCA4):c.3281C>A (p.Pro1094His)

Gene: ABCA4 (ATP binding cassette subfamily A member 4; minus strand). Cytogenetic location: 1p22.1.
Variant type: single nucleotide variant.
Coding change: c.3281C>A on transcript NM_000350.3 (MANE Select); coding-DNA position 3281, C replaced by A.
Protein change: p.Pro1094His; replaces proline 1094 with histidine.
Molecular consequence: missense variant.
Genome position (GRCh38, 1-based): chr1:94,042,808, G>T on the plus strand (C>A on the coding strand, the complement: ABCA4 is on the minus strand). VCF-style: chr1-94042808-G-T. GRCh37 (hg19) VCF-style: chr1-94508364-G-T.
Other names: c.3059C>A, p.Pro1020His (NM_001425324.1); short protein forms P1094H, P1020H.
Identifiers: ClinVar variation 1473032 (VCV001473032.8), dbSNP rs2101050573, ClinGen allele CA341292079.
Genomic context (GRCh38, chr1:94,042,808, plus strand): 5'-CAGCAGCTGTTACCTGAGCGATACTTCAGGAGCAGATCCCAGATTGAGCGTCTCGAGTAA[G>T]GGTCCACCCCAGAGGTGGGTTCGTCCAGAATCACCACCTTGGCATCTCCCACAAAGGCAA-3'
Protein context (NP_000341.2, residues 1084-1104): ILDEPTSGVD[Pro1094His]YSRRSIWDLL